The following is an entry in ClinVar:

ClinVar aggregate classification (germline): Pathogenic (1 of 4 stars; one submission).

Conditions:
Microcephaly, normal intelligence and immunodeficiency (NBS). Also called: BERLIN BREAKAGE SYNDROME; Immunodeficiency, microcephaly with normal intelligence; Ataxia telangiectasia variant V1; Nijmegen breakage syndrome; Microcephaly with normal intelligence immunodeficiency and lymphoreticular malignancies; Nonsyndromal microcephaly autosomal recessive with normal intelligence. Identifiers: Orphanet 647, MedGen C0398791, MONDO:0009623, OMIM 251260.

Submission:

Labcorp Genetics (formerly Invitae), Labcorp
Classification: Pathogenic for Microcephaly, normal intelligence and immunodeficiency. Last evaluated: 2022-06-28. Review status: criteria provided, single submitter. Criteria: Invitae Variant Classification Sherloc (09022015). Collection method: clinical testing. Allele origin: germline.
Comment: For these reasons, this variant has been classified as Pathogenic. This variant has not been reported in the literature in individuals affected with NBN-related conditions. This variant is not present in population databases (gnomAD no frequency). This sequence change creates a premature translational stop signal (p.Asp349Metfs*4) in the NBN gene. It is expected to result in an absent or disrupted protein product. Loss-of-function variants in NBN are known to be pathogenic (PMID: 9590180, 16415040).

Literature cited by the submitters: PubMed 9590180; PubMed 16415040.

NM_002485.5(NBN):c.1044del (p.Asp349fs)

Gene: NBN (nibrin; minus strand). Cytogenetic location: 8q21.3.
Variant type: Deletion.
Coding change: c.1044del on transcript NM_002485.5 (MANE Select); coding-DNA position 1044, one base deleted (T; older notation c.1044delT).
Protein change: p.Asp349fs; shifts the reading frame from aspartic acid 349.
Molecular consequence: frameshift variant.
Genome position (GRCh38, 1-based): chr8:89,958,805, A deleted on the plus strand (T on the coding strand, the reverse complement: NBN is on the minus strand); the first of 2 consecutive A bases (chr8:89,958,805-89,958,806); deleting either gives the same sequence. VCF-style (leftmost placement, unchanged base first): chr8-89958804-CA-C. GRCh37 (hg19) VCF-style: chr8-90971032-CA-C.
Other names: c.798del, p.Asp267fs (NM_001024688.3); short protein forms D267fs, D349fs.
Identifiers: ClinVar variation 2000438 (VCV002000438.4), dbSNP rs2488260845, ClinGen allele CA2580079177.